The following is an entry in ClinVar:

ClinVar aggregate classification (germline): Pathogenic/Likely pathogenic. Review status: criteria provided, multiple submitters, no conflicts (2 of 4 stars). 9 submissions from 9 submitters: Pathogenic (8); Likely pathogenic (1). Last evaluated 2025-12-24.

Conditions:
Pancreatic cancer, susceptibility to, 3. Identifiers: Orphanet 1333, MedGen C3150547, MONDO:0013236, OMIM 613348.
Fanconi anemia complementation group N. Also called: PALB2-Related Fanconi Anemia. Identifiers: Orphanet 84, MedGen C1835817, MONDO:0012565, OMIM 610832. Disease mechanism: loss of function.
Breast-ovarian cancer, familial, susceptibility to, 5 (BROVCA5). Identifiers: MedGen C5830615, MONDO:0957530, OMIM 620442.
Hereditary cancer-predisposing syndrome. Also called: Tumor predisposition; Neoplastic Syndromes, Hereditary; Hereditary Cancer Syndrome; Hereditary neoplastic syndrome. Identifiers: Orphanet 140162, MedGen C0027672, MeSH D009386, MONDO:0015356.
Hereditary breast ovarian cancer syndrome. Also called: Hereditary breast and ovarian cancer; Hereditary breast and ovarian cancer syndrome (HBOC); BRCA1- and BRCA2-Associated Hereditary Breast and Ovarian Cancer; Breast and ovarian cancer; Hereditary breast and ovarian cancer syndrome; Hereditary breast and/or ovarian cancer syndrome. Identifiers: Orphanet 145, MedGen C0677776, MeSH D061325, MONDO:0003582. Disease mechanism: loss of function.
Familial cancer of breast. Also called: BREAST CANCER, FAMILIAL; hereditary breast carcinoma; Hereditary breast cancer. Identifiers: Orphanet 227535, MedGen C0346153, MONDO:0016419, OMIM 114480. Disease mechanism: loss of function.

Submissions (9):

Labcorp Genetics (formerly Invitae), Labcorp
Classification: Pathogenic for Familial cancer of breast. Last evaluated: 2025-12-24. Review status: criteria provided, single submitter. Criteria: Invitae Variant Classification Sherloc (09022015). Collection method: clinical testing. Allele origin: germline.
Comment: This sequence change creates a premature translational stop signal (p.Ser980Alafs*10) in the PALB2 gene. It is expected to result in an absent or disrupted protein product. Loss-of-function variants in PALB2 are known to be pathogenic (PMID: 17200668, 17200671, 17200672, 24136930, 25099575). This variant is not present in population databases (gnomAD no frequency). This variant has not been reported in the literature in individuals affected with PALB2-related conditions. ClinVar contains an entry for this variant (Variation ID: 486018). For these reasons, this variant has been classified as Pathogenic.

Women's Health and Genetics/Laboratory Corporation of America, LabCorp
Classification: Pathogenic for Hereditary breast ovarian cancer syndrome. Last evaluated: 2024-10-03. Review status: criteria provided, single submitter. Criteria: LabCorp Variant Classification Summary - May 2015. Collection method: clinical testing. Allele origin: germline.
Comment: Variant summary: PALB2 c.2938delA (p.Ser980AlafsX10) results in a premature termination codon, predicted to cause a truncation of the encoded protein or absence of the protein due to nonsense mediated decay, which are commonly known mechanisms for disease. The variant was absent in 251476 control chromosomes. To our knowledge, no occurrence of c.2938delA in individuals affected with Hereditary Breast And Ovarian Cancer Syndrome and no experimental evidence demonstrating its impact on protein function have been reported. ClinVar contains an entry for this variant (Variation ID: 486018). Based on the evidence outlined above, the variant was classified as pathogenic.

Fulgent Genetics
Classification: Pathogenic for Fanconi anemia complementation group N; Pancreatic cancer, susceptibility to, 3; Breast-ovarian cancer, familial, susceptibility to, 5. Last evaluated: 2024-06-12. Review status: criteria provided, single submitter. Criteria: ACMG Guidelines, 2015. Collection method: clinical testing. Allele origin: germline.

Myriad Genetics, Inc.
Classification: Pathogenic for Familial cancer of breast. Last evaluated: 2023-09-14. Review status: criteria provided, single submitter. Criteria: Myriad Autosomal Dominant, Autosomal Recessive and X-Linked Classification Criteria (2023). Collection method: clinical testing. Allele origin: unknown.
Comment: This variant is considered pathogenic. This variant creates a frameshift predicted to result in premature protein truncation.

GeneDx
Classification: Pathogenic. Last evaluated: 2023-04-06. Review status: criteria provided, single submitter. Criteria: GeneDx Variant Classification Process June 2021. Collection method: clinical testing. Allele origin: germline. Affected: yes.
Comment: Frameshift variant predicted to result in nonsense mediated decay in a gene for which loss-of-function is a known mechanism of disease; Not observed in large population cohorts (gnomAD); Not observed in any cases, but was observed in unaffected controls from a breast cancer study (Palmer et al., 2020); This variant is associated with the following publications: (PMID: Godley2018[Abstract], 32427313)

Ambry Genetics
Classification: Pathogenic for Hereditary cancer-predisposing syndrome. Last evaluated: 2023-01-31. Review status: criteria provided, single submitter. Criteria: Ambry Variant Classification Scheme 2023. Collection method: clinical testing. Allele origin: germline.
Comment: The c.2938delA pathogenic mutation, located in coding exon 9 of the PALB2 gene, results from a deletion of one nucleotide at nucleotide position 2938, causing a translational frameshift with a predicted alternate stop codon (p.S980Afs*10). This variant is considered to be rare based on population cohorts in the Genome Aggregation Database (gnomAD). This alteration is expected to result in loss of function by premature protein truncation or nonsense-mediated mRNA decay. As such, this alteration is interpreted as a disease-causing mutation.

Baylor Genetics
Classification: Likely pathogenic for Familial cancer of breast. Last evaluated: 2021-10-30. Review status: criteria provided, single submitter. Criteria: ACMG Guidelines, 2015. Collection method: clinical testing. Allele origin: unknown.

Color Diagnostics, LLC DBA Color Health
Classification: Pathogenic for Hereditary cancer-predisposing syndrome. Last evaluated: 2020-01-15. Review status: criteria provided, single submitter. Criteria: ACMG Guidelines, 2015. Collection method: clinical testing. Allele origin: germline.
Comment: This variant deletes 1 nucleotide in exon 9 of the PALB2 gene, creating a frameshift and premature translation stop signal. This variant is expected to result in an absent or non-functional protein product. This variant has not been identified in the general population by the Genome Aggregation Database (gnomAD). Loss of PALB2 function is a known mechanism of disease. Based on the available evidence, this variant is classified as Pathogenic.

Genetic Services Laboratory, University of Chicago
Classification: Pathogenic. Last evaluated: 2017-10-09. Review status: criteria provided, single submitter. Criteria: ACMG Guidelines, 2015. Collection method: clinical testing. Allele origin: germline. Affected: yes.
Comment: This pathogenic sequence change results in an amino acid frameshift and creates a premature stop codon 9 amino acids downstream of the mutation, p.Ser980Alafs*10. This pathogenic sequence change is predicted to result in an abnormal transcript, which may be degraded, or may lead to the production of a truncated PALB2 protein with potentially abnormal function. This pathogenic sequence change has not previously been described in a patient with PALB2-related disorders, and has not been observed in large population databases such as EXAC. Compound heterozygous pathogenic variants in PALB2 have been associated with Fanconi anemia of complementation group N [OMIM#610832]. Heterozygous pathogenic variants in PALB2 have been associated with increased susceptibility to cancers including breast cancer [OMIM#114480] and pancreatic cancer [OMIM#613348]. The risk of breast cancer in females with a PALB2 mutation is estimated at 33-58%, depending on the patient's family history (Antoniou et al., 2014). The risk of male breast cancer and pancreatic cancer also appears to be increased in families with PALB2 mutations (Casadei et al., 2011).

Literature cited by the submitters: PubMed 17200668 (cited by Labcorp Genetics (formerly Invitae), Labcorp); PubMed 17200671 (cited by Labcorp Genetics (formerly Invitae), Labcorp); PubMed 17200672 (cited by Labcorp Genetics (formerly Invitae), Labcorp); PubMed 24136930 (cited by Labcorp Genetics (formerly Invitae), Labcorp); PubMed 25099575 (cited by Labcorp Genetics (formerly Invitae), Labcorp).

NM_024675.4(PALB2):c.2938del (p.Ser980fs)

Gene: PALB2 (partner and localizer of BRCA2; minus strand). Cytogenetic location: 16p12.2.
Variant type: Deletion.
Coding change: c.2938del on transcript NM_024675.4 (MANE Select); coding-DNA position 2938, one base deleted (A; older notation c.2938delA).
Protein change: p.Ser980fs; shifts the reading frame from serine 980.
Molecular consequence: frameshift variant.
Genome position (GRCh38, 1-based): chr16:23,623,027, T deleted on the plus strand (A on the coding strand, the reverse complement: PALB2 is on the minus strand). VCF-style (leftmost placement, unchanged base first): chr16-23623026-CT-C. GRCh37 (hg19) VCF-style: chr16-23634347-CT-C.
Other names: c.2938delA (NM_024675.3, NM_024675.4); short protein forms S980fs.
Identifiers: ClinVar variation 486018 (VCV000486018.26), dbSNP rs1555459540, ClinGen allele CA658658396.